The following is an entry in ClinVar:

NM_000062.3(SERPING1):c.458T>G (p.Leu153Arg)

Gene: SERPING1 (serpin family G member 1; plus strand). Cytogenetic location: 11q12.1.
Variant type: single nucleotide variant.
Coding change: c.458T>G on transcript NM_000062.3 (MANE Select); coding-DNA position 458, T replaced by G.
Protein change: p.Leu153Arg; replaces leucine 153 with arginine.
Molecular consequence: missense variant.
Genome position (GRCh38, 1-based): chr11:57,600,285, T>G. VCF-style: chr11-57600285-T-G. GRCh37 (hg19) VCF-style: chr11-57367758-T-G.
Other names: c.458T>G, p.Leu153Arg (NM_001032295.2); short protein forms L153R.
Identifiers: ClinVar variation 3252008 (VCV003252008.6), dbSNP rs2495426562.

ClinVar aggregate classification (germline): Conflicting classifications of pathogenicity. Review status: criteria provided, conflicting classifications (1 of 4 stars). 2 submissions from 2 submitters: Likely pathogenic (1); Uncertain significance (1). Last evaluated 2024-07-07.

Conditions:
Hereditary angioedema type 1 (HAE1). Identifiers: Orphanet 100050, Orphanet 100051, Orphanet 91378, MedGen C2717906, MONDO:0015053, OMIM 106100.

Submissions (2):

DNA-diagnostics Laboratory, Research Centre For Medical Genetics
Classification: Likely pathogenic for Hereditary angioedema type 1. Last evaluated: 2024-07-07. Review status: criteria provided, single submitter. Criteria: ACMG Guidelines, 2015. Collection method: research. Allele origin: germline. Inheritance: Autosomal dominant inheritance. Affected: yes. Observed: 1 heterozygote.
Comment: The pathogenic or likely pathogenic SERPING1 gene variants are detected in >90% of the HAE1/2 families and in >80% of the total HAE families (e.g., DOI: 10.1016/j.molimm.2008.05.007, 10.1159/2F000138883, 10.1016/j.molimm.2011.07.010). Such in silico algorithms as BayesDel, MutPred, REVEL support a deleterious effect of the c.458T>G variant with Moderate evidence of pathogenicity, when choosing at least two identical assessments and using the threshold ranges from ClinGen recommendations (DOI: 10.1016/j.ajhg.2022.10.013). In summary, the c.458T>G variant in SERPING1 meets ACMG/ClinGen SVI guidance criteria to be classified as likely pathogenic: PP3_Mod, PP4_Mod, PM2_Sup, PP2

Labcorp Genetics (formerly Invitae), Labcorp
Classification: Uncertain significance. Last evaluated: 2024-05-18. Review status: criteria provided, single submitter. Criteria: Invitae Variant Classification Sherloc (09022015). Collection method: clinical testing. Allele origin: germline.
Comment: This sequence change replaces leucine, which is neutral and non-polar, with arginine, which is basic and polar, at codon 153 of the SERPING1 protein (p.Leu153Arg). This variant is not present in population databases (gnomAD no frequency). This missense change has been observed in individual(s) with hereditary angioedema type 1 (Invitae). Advanced modeling of protein sequence and biophysical properties (such as structural, functional, and spatial information, amino acid conservation, physicochemical variation, residue mobility, and thermodynamic stability) performed at Invitae indicates that this missense variant is expected to disrupt SERPING1 protein function with a positive predictive value of 80%. This variant disrupts the p.Leu153 amino acid residue in SERPING1. Other variant(s) that disrupt this residue have been observed in individuals with SERPING1-related conditions (PMID: 31517426), which suggests that this may be a clinically significant amino acid residue. In summary, the available evidence is currently insufficient to determine the role of this variant in disease. Therefore, it has been classified as a Variant of Uncertain Significance.

Literature cited by the submitters: PubMed 31517426 (cited by Labcorp Genetics (formerly Invitae), Labcorp).